The following is an entry in ClinVar:

ClinVar aggregate classification (germline): Uncertain significance (1 of 4 stars; one submission).

Allele frequency attached by ClinVar (database versions not stated): gnomAD exomes below 0.00001.
gnomAD v4.1: 1 of 1,614,052 alleles (0.000062%); highest among the groups gnomAD compares: Middle Eastern, 0.016%; no homozygotes.

Submission:

Ambry Genetics
Classification: Uncertain significance. Last evaluated: 2023-05-31. Review status: criteria provided, single submitter. Criteria: Ambry Variant Classification Scheme 2023. Collection method: clinical testing. Allele origin: germline.
Comment: The p.T601P variant (also known as c.1801A>C), located in coding exon 16 of the BUB1 gene, results from an A to C substitution at nucleotide position 1801. The threonine at codon 601 is replaced by proline, an amino acid with highly similar properties. This amino acid position is conserved. In addition, this alteration is predicted to be tolerated by in silico analysis. Since supporting evidence is limited at this time, the clinical significance of this alteration remains unclear.

NM_004336.5(BUB1):c.1801A>C (p.Thr601Pro)

Gene: BUB1 (BUB1 mitotic checkpoint serine/threonine kinase; minus strand). Cytogenetic location: 2q13.
Variant type: single nucleotide variant.
Coding change: c.1801A>C on transcript NM_004336.5 (MANE Select); coding-DNA position 1801, A replaced by C.
Protein change: p.Thr601Pro; replaces threonine 601 with proline.
Molecular consequence: missense variant.
Genome position (GRCh38, 1-based): chr2:110,655,814, T>G on the plus strand (A>C on the coding strand, the complement: BUB1 is on the minus strand). VCF-style: chr2-110655814-T-G. GRCh37 (hg19) VCF-style: chr2-111413391-T-G.
Other names: c.1741A>C, p.Thr581Pro (NM_001278616.2); c.1801A>C, p.Thr601Pro (NM_001278617.2); short protein forms T601P, T581P.
Identifiers: ClinVar variation 2565817 (VCV002565817.2), dbSNP rs2468001899, ClinGen allele CA348210766.